The following is an entry in ClinVar:

ClinVar aggregate classification (germline): Uncertain significance (1 of 4 stars; one submission).

Conditions:
ANKRD1-related dilated cardiomyopathy. Identifiers: MedGen CN119551.

Submission:

Labcorp Genetics (formerly Invitae), Labcorp
Classification: Uncertain significance for ANKRD1-related dilated cardiomyopathy. Last evaluated: 2023-11-21. Review status: criteria provided, single submitter. Criteria: Invitae Variant Classification Sherloc (09022015). Collection method: clinical testing. Allele origin: germline.
Comment: This sequence change replaces alanine, which is neutral and non-polar, with aspartic acid, which is acidic and polar, at codon 214 of the ANKRD1 protein (p.Ala214Asp). This variant is present in population databases (no rsID available, gnomAD 0.0009%). This variant has not been reported in the literature in individuals affected with ANKRD1-related conditions. Advanced modeling of protein sequence and biophysical properties (such as structural, functional, and spatial information, amino acid conservation, physicochemical variation, residue mobility, and thermodynamic stability) performed at Invitae indicates that this missense variant is not expected to disrupt ANKRD1 protein function with a negative predictive value of 80%. In summary, the available evidence is currently insufficient to determine the role of this variant in disease. Therefore, it has been classified as a Variant of Uncertain Significance.

NM_014391.3(ANKRD1):c.641C>A (p.Ala214Asp)

Gene: ANKRD1 (ankyrin repeat domain 1; minus strand). Cytogenetic location: 10q23.31.
Variant type: single nucleotide variant.
Coding change: c.641C>A on transcript NM_014391.3 (MANE Select); coding-DNA position 641, C replaced by A.
Protein change: p.Ala214Asp; replaces alanine 214 with aspartic acid.
Molecular consequence: missense variant.
Genome position (GRCh38, 1-based): chr10:90,916,181, G>T on the plus strand (C>A on the coding strand, the complement: ANKRD1 is on the minus strand). VCF-style: chr10-90916181-G-T. GRCh37 (hg19) VCF-style: chr10-92675938-G-T.
Other names: short protein forms A214D.
Identifiers: ClinVar variation 2787654 (VCV002787654.3), dbSNP rs1404017677, ClinGen allele CA377550609.